The following is an entry in ClinVar:

NM_004563.4(PCK2):c.941T>C (p.Met314Thr)

Genes: NRL (neural retina leucine zipper; minus strand), PCK2 (phosphoenolpyruvate carboxykinase 2, mitochondrial; plus strand). Cytogenetic location: 14q11.2.
Variant type: single nucleotide variant.
Coding change: c.941T>C on transcript NM_004563.4 (MANE Select); coding-DNA position 941, T replaced by C.
Protein change: p.Met314Thr; replaces methionine 314 with threonine.
Molecular consequence: missense variant. On other transcripts: intron variant (3).
Genome position (GRCh38, 1-based): chr14:24,099,646, T>C. VCF-style: chr14-24099646-T-C. GRCh37 (hg19) VCF-style: chr14-24568855-T-C.
Other names: c.941T>C, p.Met314Thr (NM_001018073.3); c.539T>C, p.Met180Thr (NM_001291556.2, NM_001308054.2); c.-28+15076A>G (NM_001354768.3, NM_001354770.2); c.-253-14901A>G (NM_006177.5); short protein forms M180T, M314T.
Identifiers: ClinVar variation 2160082 (VCV002160082.4), dbSNP rs201078063, ClinGen allele CA7123288.

ClinVar aggregate classification (germline): Uncertain significance (1 of 4 stars; one submission).

Allele frequency attached by ClinVar (database versions not stated): TOPMed below 0.00001; gnomAD 0.00013; ExAC 0.00015.
gnomAD v4.1: 143 of 1,613,976 alleles (0.0089%); highest among the groups gnomAD compares: Non-Finnish European, 0.0018%; no homozygotes.

Submission:

Labcorp Genetics (formerly Invitae), Labcorp
Classification: Uncertain significance. Last evaluated: 2024-09-06. Review status: criteria provided, single submitter. Criteria: Invitae Variant Classification Sherloc (09022015). Collection method: clinical testing. Allele origin: germline.
Comment: This sequence change replaces methionine, which is neutral and non-polar, with threonine, which is neutral and polar, at codon 314 of the PCK2 protein (p.Met314Thr). This variant is present in population databases (rs201078063, gnomAD 0.2%), and has an allele count higher than expected for a pathogenic variant. This variant has not been reported in the literature in individuals affected with PCK2-related conditions. ClinVar contains an entry for this variant (Variation ID: 2160082). Invitae Evidence Modeling of protein sequence and biophysical properties (such as structural, functional, and spatial information, amino acid conservation, physicochemical variation, residue mobility, and thermodynamic stability) indicates that this missense variant is not expected to disrupt PCK2 protein function with a negative predictive value of 80%. In summary, the available evidence is currently insufficient to determine the role of this variant in disease. Therefore, it has been classified as a Variant of Uncertain Significance.